The following is an entry in ClinVar:

ClinVar aggregate classification (germline): Uncertain significance (1 of 4 stars; one submission).

Conditions:
Renal cell carcinoma. Identifiers: Orphanet 217071, MedGen C0007134, MeSH D002292, MONDO:0005086, HP:0005584.

Submission:

Labcorp Genetics (formerly Invitae), Labcorp
Classification: Uncertain significance for Renal cell carcinoma. Last evaluated: 2021-05-08. Review status: criteria provided, single submitter. Criteria: Invitae Variant Classification Sherloc (09022015). Collection method: clinical testing. Allele origin: germline.
Comment: In summary, the available evidence is currently insufficient to determine the role of this variant in disease. Therefore, it has been classified as a Variant of Uncertain Significance. Algorithms developed to predict the effect of missense changes on protein structure and function (SIFT, PolyPhen-2, Align-GVGD) all suggest that this variant is likely to be disruptive, but these predictions have not been confirmed by published functional studies and their clinical significance is uncertain. This variant has not been reported in the literature in individuals with MET-related conditions. This variant is not present in population databases (ExAC no frequency). This sequence change replaces valine with glutamic acid at codon 1084 of the MET protein (p.Val1084Glu). The valine residue is highly conserved and there is a moderate physicochemical difference between valine and glutamic acid.

NM_000245.4(MET):c.3197T>A (p.Val1066Glu)

Gene: MET (MET proto-oncogene, receptor tyrosine kinase; plus strand). Cytogenetic location: 7q31.2.
Variant type: single nucleotide variant.
Coding change: c.3197T>A on transcript NM_000245.4 (MANE Select); coding-DNA position 3197, T replaced by A.
Protein change: p.Val1066Glu; replaces valine 1066 with glutamic acid.
Molecular consequence: missense variant.
Genome position (GRCh38, 1-based): chr7:116,775,049, T>A. VCF-style: chr7-116775049-T-A. GRCh37 (hg19) VCF-style: chr7-116415103-T-A.
Other names: c.3251T>A, p.Val1084Glu (NM_001127500.3); c.1907T>A, p.Val636Glu (NM_001324402.2); short protein forms V1066E, V636E, V1084E.
Identifiers: ClinVar variation 1484700 (VCV001484700.8), dbSNP rs2117031615, ClinGen allele CA368988596.